The following is an entry in ClinVar:

NM_000548.5(TSC2):c.975+16T>C

Gene: TSC2 (TSC complex subunit 2; plus strand). Cytogenetic location: 16p13.3.
Variant type: single nucleotide variant.
Coding change: c.975+16T>C on transcript NM_000548.5 (MANE Select); 16 bases into the intron after coding-DNA position 975, T replaced by C.
Molecular consequence: intron variant.
Genome position (GRCh38, 1-based): chr16:2,058,889, T>C. VCF-style: chr16-2058889-T-C. GRCh37 (hg19) VCF-style: chr16-2108890-T-C.
Other names: c.975+16T>C (NM_001114382.3, NM_021055.3, NM_001370405.1 and 3 more transcripts); c.864+16T>C (NM_001318827.2); c.375+16T>C (NM_001318831.2); c.828+16T>C (NM_001318829.2); c.1008+16T>C (NM_001318832.2).
Identifiers: ClinVar variation 511400 (VCV000511400.8), dbSNP rs769084318, ClinGen allele CA276775749.
Genomic context (GRCh38, chr16:2,058,889, plus strand): 5'-TCTCTCAGGAACTCGCCGACATCTGTGTTGCCATCATTTTACCAGGTAAGGCGGTTTCTG[T>C]GTGCAGTGAGCTGGCAGGAACGGGAGAGCTCCCCTCACGCCTGCCCACCCATCCCACTGG-3'

ClinVar aggregate classification (germline): Likely benign. Review status: criteria provided, multiple submitters, no conflicts (2 of 4 stars). 2 submissions from 2 submitters: Likely benign (2). Last evaluated 2025-12-23.

Conditions:
Tuberous sclerosis 2 (TSC2). Identifiers: Orphanet 805, MedGen C1860707, MONDO:0013199, OMIM 613254.

Allele frequency attached by ClinVar (database versions not stated): gnomAD exomes 0.00002.
gnomAD v4.1: 33 of 1,604,720 alleles (0.0021%); highest among the groups gnomAD compares: Non-Finnish European, 0.0027%; no homozygotes.

Submissions (2):

Labcorp Genetics (formerly Invitae), Labcorp
Classification: Likely benign for Tuberous sclerosis 2. Last evaluated: 2025-12-23. Review status: criteria provided, single submitter. Criteria: Invitae Variant Classification Sherloc (09022015). Collection method: clinical testing. Allele origin: germline.

GeneDx
Classification: Likely benign. Last evaluated: 2017-08-16. Review status: criteria provided, single submitter. Criteria: GeneDx Variant Classification (06012015). Collection method: clinical testing. Allele origin: germline. Affected: yes.
Comment: This variant is considered likely benign or benign based on one or more of the following criteria: it is a conservative change, it occurs at a poorly conserved position in the protein, it is predicted to be benign by multiple in silico algorithms, and/or has population frequency not consistent with disease.